The following is an entry in ClinVar:

NM_004360.5(CDH1):c.471dup (p.Ile158fs)

Gene: CDH1 (cadherin 1; plus strand). Cytogenetic location: 16q22.1.
Variant type: Duplication.
Coding change: c.471dup on transcript NM_004360.5 (MANE Select); coding-DNA position 471, one base duplicated (T; older notation c.471dupT).
Protein change: p.Ile158fs; shifts the reading frame from isoleucine 158.
Molecular consequence: frameshift variant. On other transcripts: 5 prime UTR variant (2).
Genome position (GRCh38, 1-based): chr16:68,808,507, T duplicated; the last of 2 consecutive T bases (chr16:68,808,506-68,808,507); duplicating either gives the same sequence. VCF-style (leftmost placement, unchanged base first): chr16-68808505-G-GT. GRCh37 (hg19) VCF-style: chr16-68842408-G-GT.
Other names: c.471dup, p.Ile158fs (NM_001317184.2); c.-1145dup (NM_001317185.2); c.-1349dup (NM_001317186.2); short protein forms I158fs.
Identifiers: ClinVar variation 944032 (VCV000944032.8), dbSNP rs1960728762, ClinGen allele CA1139664751.

ClinVar aggregate classification (germline): Pathogenic (1 of 4 stars; one submission).

Conditions:
Hereditary diffuse gastric adenocarcinoma (HDGC). Also called: DIFFUSE GASTRIC AND LOBULAR BREAST CANCER SYNDROME. Identifiers: Orphanet 26106, MedGen C1708349, MONDO:0007648, OMIM 137215.

Submission:

Labcorp Genetics (formerly Invitae), Labcorp
Classification: Pathogenic for Hereditary diffuse gastric adenocarcinoma. Last evaluated: 2022-08-23. Review status: criteria provided, single submitter. Criteria: Invitae Variant Classification Sherloc (09022015). Collection method: clinical testing. Allele origin: germline.
Comment: For these reasons, this variant has been classified as Pathogenic. ClinVar contains an entry for this variant (Variation ID: 944032). This variant has not been reported in the literature in individuals affected with CDH1-related conditions. This variant is not present in population databases (gnomAD no frequency). This sequence change creates a premature translational stop signal (p.Ile158Tyrfs*10) in the CDH1 gene. It is expected to result in an absent or disrupted protein product. Loss-of-function variants in CDH1 are known to be pathogenic (PMID: 15235021, 20373070).

Literature cited by the submitters: PubMed 15235021; PubMed 20373070.